The following is an entry in ClinVar:

NM_001848.3(COL6A1):c.1418G>A (p.Gly473Glu)

Gene: COL6A1 (collagen type VI alpha 1 chain; plus strand). Cytogenetic location: 21q22.3.
Variant type: single nucleotide variant.
Coding change: c.1418G>A on transcript NM_001848.3 (MANE Select); coding-DNA position 1418, G replaced by A.
Protein change: p.Gly473Glu; replaces glycine 473 with glutamic acid.
Molecular consequence: missense variant.
Genome position (GRCh38, 1-based): chr21:45,997,440, G>A. VCF-style: chr21-45997440-G-A. GRCh37 (hg19) VCF-style: chr21-47417354-G-A.
Other names: short protein forms G473E.
Identifiers: ClinVar variation 3655636 (VCV003655636.2).

ClinVar aggregate classification (germline): Uncertain significance (1 of 4 stars; one submission).

Conditions:
Bethlem myopathy 1A. Also called: Bethlem myopathy 1; MYOPATHY, BENIGN CONGENITAL, WITH CONTRACTURES; Bethlem Muscular Dystrophy. Identifiers: Orphanet 610, MedGen CN029274, MONDO:0024530, OMIM 158810.

Submission:

Labcorp Genetics (formerly Invitae), Labcorp
Classification: Uncertain significance for Bethlem myopathy 1A. Last evaluated: 2024-06-05. Review status: criteria provided, single submitter. Criteria: Invitae Variant Classification Sherloc (09022015). Collection method: clinical testing. Allele origin: germline.
Comment: This sequence change replaces glycine, which is neutral and non-polar, with glutamic acid, which is acidic and polar, at codon 473 of the COL6A1 protein (p.Gly473Glu). This variant is not present in population databases (gnomAD no frequency). This variant has not been reported in the literature in individuals affected with COL6A1-related conditions. Advanced modeling of protein sequence and biophysical properties (such as structural, functional, and spatial information, amino acid conservation, physicochemical variation, residue mobility, and thermodynamic stability) performed at Invitae indicates that this missense variant is expected to disrupt COL6A1 protein function with a positive predictive value of 95%. This variant disrupts the triple helix domain of COL6A1. Glycine residues within the Gly-Xaa-Yaa repeats of the triple helix domain are required for the structure and stability of fibrillar collagens (PMID: 7695699, 8218237, 19344236). In COL6A1, variants at these glycine residues are significantly enriched in individuals with autosomal dominant disease (PMID: 15689448, 24038877) compared to the general population (ExAC). In summary, the available evidence is currently insufficient to determine the role of this variant in disease. Therefore, it has been classified as a Variant of Uncertain Significance.

Literature cited by the submitters: PubMed 7695699; PubMed 8218237; PubMed 19344236; PubMed 15689448; PubMed 24038877.